The following is an entry in ClinVar:

ClinVar aggregate classification (germline): Likely benign. Review status: criteria provided, single submitter (1 of 4 stars). 2 submissions from 2 submitters: Likely benign (1). 1 of the submissions does not count toward it. Last evaluated 2022-09-27.

Conditions:
RYR3-related disorder. Also called: RYR3-related condition.
Epileptic encephalopathy. Identifiers: MedGen C0543888, HP:0200134.

Allele frequency attached by ClinVar (database versions not stated): ExAC 0.00006; gnomAD 0.00006 and 0.00008; gnomAD exomes 0.00006; TOPMed 0.00008; 1000 Genomes Project 30x 0.00047; 1000 Genomes Project 0.00060.
gnomAD v4.1: 199 of 1,611,908 alleles (0.012%); highest among the groups gnomAD compares: Middle Eastern, 0.054%; no homozygotes.

Submissions (2):

Labcorp Genetics (formerly Invitae), Labcorp
Classification: Likely benign for Epileptic encephalopathy. Last evaluated: 2022-09-27. Review status: criteria provided, single submitter. Criteria: Invitae Variant Classification Sherloc (09022015). Collection method: clinical testing. Allele origin: germline.

PreventionGenetics, part of Exact Sciences
Classification: Likely benign for RYR3-related condition. Last evaluated: 2019-03-11. Review status: no assertion criteria provided. Collection method: clinical testing. Allele origin: germline. Not counted in ClinVar's aggregate classification.
Comment: This variant is classified as likely benign based on ACMG/AMP sequence variant interpretation guidelines (Richards et al. 2015 PMID: 25741868, with internal and published modifications).

NM_001036.6(RYR3):c.5568G>A (p.Ala1856=)

Gene: RYR3 (ryanodine receptor 3; plus strand). Cytogenetic location: 15q14.
Variant type: single nucleotide variant.
Coding change: c.5568G>A on transcript NM_001036.6 (MANE Select); coding-DNA position 5568, G replaced by A.
Protein change: p.Ala1856=; no amino-acid change (alanine 1856 retained).
Molecular consequence: synonymous variant.
Genome position (GRCh38, 1-based): chr15:33,663,686, G>A. VCF-style: chr15-33663686-G-A. GRCh37 (hg19) VCF-style: chr15-33955887-G-A.
Other names: c.5568G>A, p.Ala1856= (NM_001243996.4).
Identifiers: ClinVar variation 531024 (VCV000531024.11), dbSNP rs199615159, ClinGen allele CA7459287.